The following is an entry in ClinVar:

NM_001134407.3(GRIN2A):c.1194del (p.Cys399fs)

Gene: GRIN2A (glutamate ionotropic receptor NMDA type subunit 2A; minus strand). Cytogenetic location: 16p13.2.
Variant type: Deletion.
Coding change: c.1194del on transcript NM_001134407.3 (MANE Select); coding-DNA position 1194, one base deleted (C; older notation c.1194delC).
Protein change: p.Cys399fs; shifts the reading frame from cysteine 399.
Molecular consequence: frameshift variant.
Genome position (GRCh38, 1-based): chr16:9,849,890, G deleted on the plus strand (C on the coding strand, the reverse complement: GRIN2A is on the minus strand). VCF-style (leftmost placement, unchanged base first): chr16-9849889-AG-A. GRCh37 (hg19) VCF-style: chr16-9943746-AG-A.
Other names: c.1194del, p.Cys399fs (NM_000833.5, NM_001134408.2); short protein forms C399fs.
Identifiers: ClinVar variation 1451688 (VCV001451688.6), dbSNP rs2141369731, ClinGen allele CA2573152115.
Genomic context (GRCh38, chr16:9,849,889, plus strand): 5'-CGATGACGAATGGGGCCTCCTCCAGGGTGACGATGCTGAGATGGTTGTCATCCGGCTCAC[AG>A]TCGGAGAAGGACTTGTACCTGGGCCACACGGCGTGCCTCAGGCTCAGCGTATGGTTCTCC-3'

ClinVar aggregate classification (germline): Pathogenic (1 of 4 stars; one submission).

Conditions:
Landau-Kleffner syndrome (FESD). Also called: EPILEPSY, FOCAL, WITH SPEECH DISORDER AND WITH OR WITHOUT MENTAL RETARDATION; APHASIA, ACQUIRED, WITH EPILEPSY. Identifiers: Orphanet 1945, Orphanet 725, Orphanet 98818, MedGen C0282512, MONDO:0009509, OMIM 245570.

Submission:

Labcorp Genetics (formerly Invitae), Labcorp
Classification: Pathogenic for Landau-Kleffner syndrome. Last evaluated: 2021-06-14. Review status: criteria provided, single submitter. Criteria: Invitae Variant Classification Sherloc (09022015). Collection method: clinical testing. Allele origin: germline.
Comment: For these reasons, this variant has been classified as Pathogenic. This variant has not been reported in the literature in individuals with GRIN2A-related conditions. This variant is not present in population databases (ExAC no frequency). This sequence change creates a premature translational stop signal (p.Cys399Valfs*24) in the GRIN2A gene. It is expected to result in an absent or disrupted protein product. Loss-of-function variants in GRIN2A are known to be pathogenic (PMID: 23933819, 23933820).

Literature cited by the submitters: PubMed 23933819; PubMed 23933820.